The following is an entry in ClinVar:

ClinVar aggregate classification (germline): Uncertain significance (1 of 4 stars; one submission).

Conditions:
Catecholaminergic polymorphic ventricular tachycardia 1. Also called: RYR2-Related Catecholaminergic Polymorphic Ventricular Tachycardia; VENTRICULAR TACHYCARDIA, CATECHOLAMINERGIC POLYMORPHIC, 1, WITH OR WITHOUT ATRIAL DYSFUNCTION AND/OR DILATED CARDIOMYOPATHY; VENTRICULAR TACHYCARDIA, STRESS-INDUCED POLYMORPHIC 1. Identifiers: Orphanet 3286, MedGen C1631597, MONDO:0011484, OMIM 604772.

Submission:

Labcorp Genetics (formerly Invitae), Labcorp
Classification: Uncertain significance for Catecholaminergic polymorphic ventricular tachycardia 1. Last evaluated: 2022-07-22. Review status: criteria provided, single submitter. Criteria: Invitae Variant Classification Sherloc (09022015). Collection method: clinical testing. Allele origin: germline.
Comment: This variant is not present in population databases (gnomAD no frequency). This variant, c.4086_4091del, results in the deletion of 2 amino acid(s) of the RYR2 protein (p.Asp1362_Lys1363del), but otherwise preserves the integrity of the reading frame. This variant has not been reported in the literature in individuals affected with RYR2-related conditions. Experimental studies and prediction algorithms are not available or were not evaluated, and the functional significance of this variant is currently unknown. In summary, the available evidence is currently insufficient to determine the role of this variant in disease. Therefore, it has been classified as a Variant of Uncertain Significance.

NM_001035.3(RYR2):c.4080CAAAGA[1] (p.1360DK[1])

Genes: RYR2 (ryanodine receptor 2; plus strand), LOC126806067 (BRD4-independent group 4 enhancer GRCh37_chr1:237753258-237754457; plus strand). Cytogenetic location: 1q43.
Variant type: Microsatellite.
Coding change: c.4080CAAAGA[1] on transcript NM_001035.3 (MANE Select); one copy of the 6-base unit CAAAGA starting at c.4080; the reference has two copies in a row; one copy, 6 bases deleted.
Protein change: p.1360DK[1].
Molecular consequence: inframe deletion.
Genome position (GRCh38, 1-based): chr1:237,590,918-237,590,923, CAAAGA deleted; deleting any 6 consecutive bases within chr1:237,590,910-237,590,923 gives the same sequence; the position shown is the placement nearest the transcript's 3' end. VCF-style (leftmost placement, unchanged base first): chr1-237590909-TGACAAA-T. GRCh37 (hg19) VCF-style: chr1-237754209-TGACAAA-T.
Identifiers: ClinVar variation 1979231 (VCV001979231.4), dbSNP rs1457097194, ClinGen allele CA733322935.